The following is an entry in ClinVar:

NM_000089.4(COL1A2):c.29T>C (p.Leu10Ser)

Gene: COL1A2 (collagen type I alpha 2 chain; plus strand). Cytogenetic location: 7q21.3.
Variant type: single nucleotide variant.
Coding change: c.29T>C on transcript NM_000089.4 (MANE Select); coding-DNA position 29, T replaced by C.
Protein change: p.Leu10Ser; replaces leucine 10 with serine.
Molecular consequence: missense variant.
Genome position (GRCh38, 1-based): chr7:94,395,060, T>C. VCF-style: chr7-94395060-T-C. GRCh37 (hg19) VCF-style: chr7-94024372-T-C.
Other names: short protein forms L10S.
Identifiers: ClinVar variation 4787826 (VCV004787826.1).

ClinVar aggregate classification (germline): Uncertain significance (1 of 4 stars; one submission).

Conditions:
Ehlers-Danlos syndrome, classic type, 1 (EDSCL1). Also called: EHLERS-DANLOS SYNDROME, GRAVIS TYPE; EHLERS-DANLOS SYNDROME, SEVERE CLASSIC TYPE; Ehlers-Danlos syndrome, type 1; Ehlers-Danlos Syndrome, Classic Type, COL5A1-Related; EDS I. Identifiers: MedGen C0268335, MONDO:0019567, OMIM 130000.
Osteogenesis imperfecta type I (OI1). Also called: OI, TYPE I; OSTEOGENESIS IMPERFECTA TARDA; OSTEOGENESIS IMPERFECTA WITH BLUE SCLERAE; Osteogenesis imperfecta type 1; Lobstein's Disease; Lobstein disease. Identifiers: Orphanet 216796, Orphanet 666, MedGen C0023931, MONDO:0008146, OMIM 166200. Disease mechanism: loss of function.

gnomAD v4.1: 6 of 1,614,124 alleles (0.00037%); highest among the groups gnomAD compares: South Asian, 0.0066%; no homozygotes.

Submission:

Labcorp Genetics (formerly Invitae), Labcorp
Classification: Uncertain significance for Osteogenesis imperfecta type I; Ehlers-Danlos syndrome, classic type, 1. Last evaluated: 2026-01-17. Review status: criteria provided, single submitter. Criteria: Invitae Variant Classification Sherloc (09022015). Collection method: clinical testing. Allele origin: germline.
Comment: This sequence change replaces leucine, which is neutral and non-polar, with serine, which is neutral and polar, at codon 10 of the COL1A2 protein (p.Leu10Ser). This variant is present in population databases (rs758795377, gnomAD 0.02%). This variant has not been reported in the literature in individuals affected with COL1A2-related conditions. Invitae Evidence Modeling of protein sequence and biophysical properties (such as structural, functional, and spatial information, amino acid conservation, physicochemical variation, residue mobility, and thermodynamic stability) indicates that this missense variant is not expected to disrupt COL1A2 protein function with a negative predictive value of 95%. In summary, the available evidence is currently insufficient to determine the role of this variant in disease. Therefore, it has been classified as a Variant of Uncertain Significance.